The following is an entry in ClinVar:

NM_016529.6(ATP8A2):c.1397+6T>C

Gene: ATP8A2 (ATPase phospholipid transporting 8A2). Cytogenetic location: 13q12.13.
Variant type: single nucleotide variant.
Coding change: c.1397+6T>C on transcript NM_016529.6 (MANE Select); 6 bases into the intron after coding-DNA position 1397, T replaced by C.
Molecular consequence: intron variant.
Genome position (GRCh38, 1-based): chr13:25,559,771, T>C. VCF-style: chr13-25559771-T-C. GRCh37 (hg19) VCF-style: chr13-26133909-T-C.
Other names: c.1277+6T>C (NM_001313741.1).
Identifiers: ClinVar variation 1438327 (VCV001438327.30), dbSNP rs199641767, ClinGen allele CA6922894.

ClinVar aggregate classification (germline): Conflicting classifications of pathogenicity. Review status: criteria provided, conflicting classifications (1 of 4 stars). 3 submissions from 3 submitters: Uncertain significance (2); Likely benign (1). Last evaluated 2024-10-23.

Allele frequency attached by ClinVar (database versions not stated): TOPMed 0.00005; gnomAD 0.00006; gnomAD exomes 0.00011 and 0.00020; ESP Exome Variant Server 0.00017; ExAC 0.00024.
gnomAD v4.1: 182 of 1,605,528 alleles (0.011%); highest among the groups gnomAD compares: South Asian, 0.11%; 1 homozygote.

Submissions (3):

Labcorp Genetics (formerly Invitae), Labcorp
Classification: Uncertain significance. Last evaluated: 2024-10-23. Review status: criteria provided, single submitter. Criteria: Invitae Variant Classification Sherloc (09022015). Collection method: clinical testing. Allele origin: germline.
Comment: This sequence change falls in intron 15 of the ATP8A2 gene. It does not directly change the encoded amino acid sequence of the ATP8A2 protein. It affects a nucleotide within the consensus splice site. This variant is present in population databases (rs199641767, gnomAD 0.1%). This variant has not been reported in the literature in individuals affected with ATP8A2-related conditions. ClinVar contains an entry for this variant (Variation ID: 1438327). Variants that disrupt the consensus splice site are a relatively common cause of aberrant splicing (PMID: 17576681, 9536098). Algorithms developed to predict the effect of sequence changes on RNA splicing suggest that this variant is not likely to affect RNA splicing. In summary, the available evidence is currently insufficient to determine the role of this variant in disease. Therefore, it has been classified as a Variant of Uncertain Significance.

CeGaT Center for Human Genetics Tuebingen
Classification: Likely benign. Last evaluated: 2022-08-01. Review status: criteria provided, single submitter. Criteria: CeGaT Center For Human Genetics Tuebingen Variant Classification Criteria Version 2. Collection method: clinical testing. Allele origin: germline. Affected: yes. Observed: 1 variant allele.
Comment: ATP8A2: BP4

Breakthrough Genomics
Classification: Uncertain significance. Review status: criteria provided, single submitter. Criteria: ACMG Guidelines, 2015. Collection method: not provided. Allele origin: germline. Inheritance: Autosomal recessive inheritance. Affected: yes.

Literature cited by the submitters: PubMed 17576681 (cited by Labcorp Genetics (formerly Invitae), Labcorp); PubMed 9536098 (cited by Labcorp Genetics (formerly Invitae), Labcorp).